The following is an entry in ClinVar:

ClinVar aggregate classification (germline): Uncertain significance. Review status: criteria provided, multiple submitters, no conflicts (2 of 4 stars). 4 submissions from 4 submitters: Uncertain significance (4). Last evaluated 2024-03-25.

Conditions:
Mitochondrial complex I deficiency, nuclear type 1. Also called: NADH-COENZYME Q REDUCTASE DEFICIENCY; MITOCHONDRIAL NADH DEHYDROGENASE COMPONENT OF COMPLEX I, DEFICIENCY OF. Identifiers: MedGen C6022305, MONDO:0100224, OMIM 252010.
Inborn genetic diseases. Identifiers: MedGen C0950123, MeSH D030342.

Allele frequency attached by ClinVar (database versions not stated): gnomAD exomes 0.00006 and 0.00012; ExAC 0.00016; 1000 Genomes Project 0.00020; ESP Exome Variant Server 0.00023; 1000 Genomes Project 30x 0.00031; gnomAD 0.00046 and 0.00052; TOPMed 0.00061.
gnomAD v4.1: 171 of 1,612,644 alleles (0.011%); highest among the groups gnomAD compares: African/African-American, 0.19%; no homozygotes.

Submissions (4):

Genomic Medicine Center of Excellence, King Faisal Specialist Hospital and Research Centre
Classification: Uncertain significance for Mitochondrial complex I deficiency, nuclear type 1. Last evaluated: 2024-03-25. Review status: criteria provided, single submitter. Criteria: ACMG Guidelines, 2015. Collection method: research. Allele origin: germline.

Labcorp Genetics (formerly Invitae), Labcorp
Classification: Uncertain significance. Last evaluated: 2024-01-24. Review status: criteria provided, single submitter. Criteria: Invitae Variant Classification Sherloc (09022015). Collection method: clinical testing. Allele origin: germline.
Comment: This sequence change replaces serine, which is neutral and polar, with threonine, which is neutral and polar, at codon 157 of the NDUFS4 protein (p.Ser157Thr). This variant is present in population databases (rs149482195, gnomAD 0.2%). This variant has not been reported in the literature in individuals affected with NDUFS4-related conditions. ClinVar contains an entry for this variant (Variation ID: 214808). An algorithm developed to predict the effect of missense changes on protein structure and function (PolyPhen-2) suggests that this variant¬†is likely to be tolerated. In summary, the available evidence is currently insufficient to determine the role of this variant in disease. Therefore, it has been classified as a Variant of Uncertain Significance.

Ambry Genetics
Classification: Uncertain significance for Inborn genetic diseases. Last evaluated: 2020-11-10. Review status: criteria provided, single submitter. Criteria: Ambry Variant Classification Scheme 2023. Collection method: clinical testing. Allele origin: germline.
Comment: The c.469T>A (p.S157T) alteration is located in exon 5 (coding exon 5) of the NDUFS4 gene. This alteration results from a T to A substitution at nucleotide position 469, causing the serine (S) at amino acid position 157 to be replaced by a threonine (T). Based on data from the Genome Aggregation Database (gnomAD) database, the NDUFS4 c.469T>A alteration was observed in 0.02% (47/282204) of total alleles studied, with a frequency of 0.14% (36/24962) in the African subpopulation. This amino acid position is well conserved in available vertebrate species. The p.S157T alteration is predicted to be tolerated by in silico analysis. Based on insufficient or conflicting evidence, the clinical significance of this alteration remains unclear.

CeGaT Center for Human Genetics Tuebingen
Classification: Uncertain significance. Last evaluated: 2018-10-01. Review status: criteria provided, single submitter. Criteria: CeGaT Center For Human Genetics Tuebingen Variant Classification Criteria Version 2. Collection method: clinical testing. Allele origin: germline. Affected: yes. Observed: 1 variant allele.

NM_002495.4(NDUFS4):c.469T>A (p.Ser157Thr)

Gene: NDUFS4 (NADH:ubiquinone oxidoreductase subunit S4; plus strand). Cytogenetic location: 5q11.2.
Variant type: single nucleotide variant.
Coding change: c.469T>A on transcript NM_002495.4 (MANE Select); coding-DNA position 469, T replaced by A.
Protein change: p.Ser157Thr; replaces serine 157 with threonine.
Molecular consequence: missense variant. On other transcripts: 3 prime UTR variant (1), non-coding transcript variant (3).
Genome position (GRCh38, 1-based): chr5:53,683,162, T>A. VCF-style: chr5-53683162-T-A. GRCh37 (hg19) VCF-style: chr5-52978992-T-A.
Other names: c.*32T>A (NM_001318051.2); short protein forms S157T.
Identifiers: ClinVar variation 214808 (VCV000214808.47), dbSNP rs149482195, ClinGen allele CA321150.